The following is an entry in ClinVar:

NM_182931.3(KMT2E):c.5053G>A (p.Gly1685Ser)

Gene: KMT2E (lysine methyltransferase 2E (inactive); plus strand). Cytogenetic location: 7q22.3.
Variant type: single nucleotide variant.
Coding change: c.5053G>A on transcript NM_182931.3 (MANE Select); coding-DNA position 5053, G replaced by A.
Protein change: p.Gly1685Ser; replaces glycine 1685 with serine.
Molecular consequence: missense variant.
Genome position (GRCh38, 1-based): chr7:105,112,809, G>A. VCF-style: chr7-105112809-G-A. GRCh37 (hg19) VCF-style: chr7-104753256-G-A.
Other names: c.4927G>A, p.Gly1643Ser (NM_001410908.1); c.5053G>A, p.Gly1685Ser (NM_018682.4); short protein forms G1643S, G1685S.
Identifiers: ClinVar variation 2114711 (VCV002114711.4), dbSNP rs1463777250, ClinGen allele CA368794130.
Genomic context (GRCh38, chr7:105,112,809, plus strand): 5'-GGGTCGCATATTCATTCTCAAACTGCTGGACACCACTTACCCCCACCCCCACCCCCTCCT[G>A]GTCCTGCCCCTCATCACCATCCACCACCCCATCCATCCACAGGACTCCAAGGTCTACAAG-3'
Protein context (NP_891847.1, residues 1675-1695): HHLPPPPPPP[Gly1685Ser]PAPHHHPPPH

ClinVar aggregate classification (germline): Uncertain significance (1 of 4 stars; one submission).

gnomAD v4.1: 2 of 668,630 alleles (0.0003%); highest among the groups gnomAD compares: Non-Finnish European, 0.0004%; no homozygotes.

Submission:

Labcorp Genetics (formerly Invitae), Labcorp
Classification: Uncertain significance. Last evaluated: 2022-03-23. Review status: criteria provided, single submitter. Criteria: Invitae Variant Classification Sherloc (09022015). Collection method: clinical testing. Allele origin: germline.
Comment: In summary, the available evidence is currently insufficient to determine the role of this variant in disease. Therefore, it has been classified as a Variant of Uncertain Significance. Algorithms developed to predict the effect of missense changes on protein structure and function (SIFT, PolyPhen-2, Align-GVGD) all suggest that this variant is likely to be tolerated. This variant has not been reported in the literature in individuals affected with KMT2E-related conditions. This variant is not present in population databases (gnomAD no frequency). This sequence change replaces glycine, which is neutral and non-polar, with serine, which is neutral and polar, at codon 1685 of the KMT2E protein (p.Gly1685Ser).